The following is an entry in ClinVar:

NM_000096.4(CP):c.732G>T (p.Glu244Asp)

Gene: CP (ceruloplasmin; minus strand). Cytogenetic location: 3q25.1.
Variant type: single nucleotide variant.
Coding change: c.732G>T on transcript NM_000096.4 (MANE Select); coding-DNA position 732, G replaced by T.
Protein change: p.Glu244Asp; replaces glutamic acid 244 with aspartic acid.
Molecular consequence: missense variant. On other transcripts: non-coding transcript variant (1).
Genome position (GRCh38, 1-based): chr3:149,209,260, C>A on the plus strand (G>T on the coding strand, the complement: CP is on the minus strand). VCF-style: chr3-149209260-C-A. GRCh37 (hg19) VCF-style: chr3-148927047-C-A.
Other names: short protein forms E244D.
Identifiers: ClinVar variation 1381084 (VCV001381084.6), dbSNP rs917446548, ClinGen allele CA354916107.

ClinVar aggregate classification (germline): Uncertain significance (1 of 4 stars; one submission).

Conditions:
Deficiency of ferroxidase (ACEP). Also called: Aceruloplasminemia; NEURODEGENERATION WITH BRAIN IRON ACCUMULATION 10; Deficiency of ceruloplasmin; Ceruloplasmin deficiency; Familial apoceruloplasmin deficiency; Hereditary ceruloplasmin deficiency. Identifiers: Orphanet 48818, MedGen C0878682, MONDO:0011426, OMIM 604290, HP:0025498.

Submission:

Labcorp Genetics (formerly Invitae), Labcorp
Classification: Uncertain significance for Deficiency of ferroxidase. Last evaluated: 2021-09-20. Review status: criteria provided, single submitter. Criteria: Invitae Variant Classification Sherloc (09022015). Collection method: clinical testing. Allele origin: germline.
Comment: In summary, the available evidence is currently insufficient to determine the role of this variant in disease. Therefore, it has been classified as a Variant of Uncertain Significance. Algorithms developed to predict the effect of missense changes on protein structure and function output the following: SIFT: "Tolerated"; PolyPhen-2: "Benign"; Align-GVGD: "Class C0". The aspartic acid amino acid residue is found in multiple mammalian species, which suggests that this missense change does not adversely affect protein function. This variant has not been reported in the literature in individuals affected with CP-related conditions. This variant is not present in population databases (ExAC no frequency). This sequence change replaces glutamic acid with aspartic acid at codon 244 of the CP protein (p.Glu244Asp). The glutamic acid residue is moderately conserved and there is a small physicochemical difference between glutamic acid and aspartic acid.